The following is an entry in ClinVar:

ClinVar aggregate classification (germline): Uncertain significance. Review status: criteria provided, multiple submitters, no conflicts (2 of 4 stars). 5 submissions from 5 submitters: Uncertain significance (5). Last evaluated 2026-04-07.

Conditions:
Cardiovascular phenotype. Identifiers: MedGen CN230736.
SCN10A-related disorder. Also called: SCN10A-related condition.
Episodic pain syndrome, familial, 2 (FEPS2). Identifiers: Orphanet 306577, MedGen C3809893, MONDO:0014246, OMIM 615551.
Brugada syndrome. Also called: Sudden Unexplained Death Syndrome; Sudden Unexplained Nocturnal Death Syndrome (SUNDS); Sudden unexplained nocturnal death syndrome; Sudden unexpected nocturnal death syndrome. Identifiers: Orphanet 130, MedGen C1142166, MONDO:0015263.

Allele frequency attached by ClinVar (database versions not stated): gnomAD 0.00003; ExAC 0.00007; TOPMed 0.00009.
gnomAD v4.1: 147 of 1,614,038 alleles (0.0091%); highest among the groups gnomAD compares: African/African-American, 0.016%; no homozygotes.

Submissions (5):

PreventionGenetics, part of Exact Sciences
Classification: Uncertain significance for SCN10A-related condition. Last evaluated: 2026-04-07. Review status: criteria provided, single submitter. Criteria: ACMG Guidelines, 2015. Collection method: clinical testing. Allele origin: germline.
Comment: The SCN10A c.2367C>A variant is predicted to result in the amino acid substitution p.Asn789Lys. This variant was also reported, along with a second heterozygous SCN10A missense variant of uncertain significance (c.4736G>A, p.Arg1579Gln), in one individual from a cohort of individuals with diabetic or idiopathic neuropathy (Table S2, Almomani et al. 2023. PubMed ID: 37175987). This variant is reported in 0.0080% of alleles in individuals of African descent in gnomAD. At this time, the clinical significance of this variant is uncertain due to the absence of conclusive functional and genetic evidence.

Labcorp Genetics (formerly Invitae), Labcorp
Classification: Uncertain significance for Brugada syndrome. Last evaluated: 2025-11-18. Review status: criteria provided, single submitter. Criteria: Invitae Variant Classification Sherloc (09022015). Collection method: clinical testing. Allele origin: germline.
Comment: This sequence change replaces asparagine, which is neutral and polar, with lysine, which is basic and polar, at codon 789 of the SCN10A protein (p.Asn789Lys). This variant is present in population databases (rs770046573, gnomAD 0.006%). This variant has not been reported in the literature in individuals affected with SCN10A-related conditions. ClinVar contains an entry for this variant (Variation ID: 418470). Invitae Evidence Modeling of protein sequence and biophysical properties (such as structural, functional, and spatial information, amino acid conservation, physicochemical variation, residue mobility, and thermodynamic stability) indicates that this missense variant is expected to disrupt SCN10A protein function with a positive predictive value of 80%. In summary, the available evidence is currently insufficient to determine the role of this variant in disease. Therefore, it has been classified as a Variant of Uncertain Significance.

Ambry Genetics
Classification: Uncertain significance for Cardiovascular phenotype. Last evaluated: 2024-08-20. Review status: criteria provided, single submitter. Criteria: Ambry Variant Classification Scheme 2023. Collection method: clinical testing. Allele origin: germline.

GeneDx
Classification: Uncertain significance. Last evaluated: 2024-07-29. Review status: criteria provided, single submitter. Criteria: GeneDx Variant Classification Process June 2021. Collection method: clinical testing. Allele origin: germline. Affected: yes.
Comment: In silico analysis supports that this missense variant has a deleterious effect on protein structure/function; This variant is associated with the following publications: (PMID: 33884296, 35932045, 37175987)

Fulgent Genetics
Classification: Uncertain significance for Episodic pain syndrome, familial, 2. Last evaluated: 2021-08-25. Review status: criteria provided, single submitter. Criteria: ACMG Guidelines, 2015. Collection method: clinical testing. Allele origin: unknown.

NM_006514.4(SCN10A):c.2367C>A (p.Asn789Lys)

Gene: SCN10A (sodium voltage-gated channel alpha subunit 10; minus strand). Cytogenetic location: 3p22.2.
Variant type: single nucleotide variant.
Coding change: c.2367C>A on transcript NM_006514.4 (MANE Select); coding-DNA position 2367, C replaced by A.
Protein change: p.Asn789Lys; replaces asparagine 789 with lysine.
Molecular consequence: missense variant.
Genome position (GRCh38, 1-based): chr3:38,728,815, G>T on the plus strand (C>A on the coding strand, the complement: SCN10A is on the minus strand). VCF-style: chr3-38728815-G-T. GRCh37 (hg19) VCF-style: chr3-38770306-G-T.
Other names: c.2367C>A, p.Asn789Lys (NM_001293306.2); c.2073C>A, p.Asn691Lys (NM_001293307.2); c.2367C>A (NM_006514.3); short protein forms N789K, N691K.
Identifiers: ClinVar variation 418470 (VCV000418470.14), dbSNP rs770046573, ClinGen allele CA2320557.
Genomic context (GRCh38, chr3:38,728,815, plus strand): 5'-TAGGAGCTGCTTGCCAACCAGAGCAAAGACAAAGACAATGATGGCCAGGATGATGGTGAG[G>T]TTCCCCAGTGCCCCCACTGAGTTTCCGATGATCTTGATGAGTGTGTTTAAGGTGGGCCAG-3'
Protein context (NP_006505.4, residues 779-799): IIGNSVGALG[Asn789Lys]LTIILAIIVF